The following is an entry in ClinVar:

NM_004304.5(ALK):c.824A>G (p.Glu275Gly)

Gene: ALK (ALK receptor tyrosine kinase; minus strand). Cytogenetic location: 2p23.2.
Variant type: single nucleotide variant.
Coding change: c.824A>G on transcript NM_004304.5 (MANE Select); coding-DNA position 824, A replaced by G.
Protein change: p.Glu275Gly; replaces glutamic acid 275 with glycine.
Molecular consequence: missense variant.
Genome position (GRCh38, 1-based): chr2:29,694,978, T>C on the plus strand (A>G on the coding strand, the complement: ALK is on the minus strand). VCF-style: chr2-29694978-T-C. GRCh37 (hg19) VCF-style: chr2-29917844-T-C.
Other names: c.824A>G (NM_004304.4); short protein forms E275G.
Identifiers: ClinVar variation 3689726 (VCV003689726.3).
Genomic context (GRCh38, chr2:29,694,978, plus strand): 5'-GAGGGGATGCGGCGCCAGGACCAGCTCTGGTTCCTGAGGTCATGCAGTGGAGGGGAATAC[T>C]CCAGCTCACAGGGGAAGTCAAAGCTGCACTCCAGACCTGCAATAATAGCCAAGGGTCAAT-3'
Protein context (NP_004295.2, residues 265-285): ECSFDFPCEL[Glu275Gly]YSPPLHDLRN

ClinVar aggregate classification (germline): Uncertain significance. Review status: criteria provided, multiple submitters, no conflicts (2 of 4 stars). 2 submissions from 2 submitters: Uncertain significance (2). Last evaluated 2025-04-18.

Conditions:
Hereditary cancer-predisposing syndrome. Also called: Tumor predisposition; Hereditary neoplastic syndrome; Hereditary Cancer Syndrome; Neoplastic Syndromes, Hereditary. Identifiers: Orphanet 140162, MedGen C0027672, MeSH D009386, MONDO:0015356.
Neuroblastoma, susceptibility to, 3. Also called: ALK-Related Neuroblastic Tumor Susceptibility. Identifiers: Orphanet 635, MedGen C2751681, MONDO:0013083, OMIM 613014.

Submissions (2):

Ambry Genetics
Classification: Uncertain significance for Hereditary cancer-predisposing syndrome. Last evaluated: 2025-04-18. Review status: criteria provided, single submitter. Criteria: Ambry Variant Classification Scheme 2023. Collection method: clinical testing. Allele origin: germline.
Comment: The p.E275G variant (also known as c.824A>G), located in coding exon 3 of the ALK gene, results from an A to G substitution at nucleotide position 824. The glutamic acid at codon 275 is replaced by glycine, an amino acid with similar properties. This amino acid position is conserved. In addition, this alteration is predicted to be tolerated by in silico analysis. Based on the available evidence, the clinical significance of this variant remains unclear.

Labcorp Genetics (formerly Invitae), Labcorp
Classification: Uncertain significance for Neuroblastoma, susceptibility to, 3. Last evaluated: 2024-07-16. Review status: criteria provided, single submitter. Criteria: Invitae Variant Classification Sherloc (09022015). Collection method: clinical testing. Allele origin: germline.
Comment: This sequence change replaces glutamic acid, which is acidic and polar, with glycine, which is neutral and non-polar, at codon 275 of the ALK protein (p.Glu275Gly). This variant is not present in population databases (gnomAD no frequency). This variant has not been reported in the literature in individuals affected with ALK-related conditions. An algorithm developed to predict the effect of missense changes on protein structure and function (PolyPhen-2) suggests that this variant is likely to be disruptive. In summary, the available evidence is currently insufficient to determine the role of this variant in disease. Therefore, it has been classified as a Variant of Uncertain Significance.